The following is an entry in ClinVar:

ClinVar aggregate classification (germline): Uncertain significance (1 of 4 stars; one submission).

Submission:

Labcorp Genetics (formerly Invitae), Labcorp
Classification: Uncertain significance. Last evaluated: 2025-03-05. Review status: criteria provided, single submitter. Criteria: Invitae Variant Classification Sherloc (09022015). Collection method: clinical testing. Allele origin: germline.
Comment: This sequence change replaces proline, which is neutral and non-polar, with histidine, which is basic and polar, at codon 259 of the ALPK3 protein (p.Pro259His). This variant is not present in population databases (gnomAD no frequency). This variant has not been reported in the literature in individuals affected with ALPK3-related conditions. An algorithm developed to predict the effect of missense changes on protein structure and function (PolyPhen-2) suggests that this variant is likely to be disruptive. In summary, the available evidence is currently insufficient to determine the role of this variant in disease. Therefore, it has been classified as a Variant of Uncertain Significance.

NM_020778.5(ALPK3):c.170C>A (p.Pro57His)

Gene: ALPK3 (alpha kinase 3; plus strand). Cytogenetic location: 15q25.3.
Variant type: single nucleotide variant.
Coding change: c.170C>A on transcript NM_020778.5 (MANE Select); coding-DNA position 170, C replaced by A.
Protein change: p.Pro57His; replaces proline 57 with histidine.
Molecular consequence: missense variant.
Genome position (GRCh38, 1-based): chr15:84,823,356, C>A. VCF-style: chr15-84823356-C-A. GRCh37 (hg19) VCF-style: chr15-85366587-C-A.
Other names: short protein forms P57H.
Identifiers: ClinVar variation 4714480 (VCV004714480.1).
Genomic context (GRCh38, chr15:84,823,356, plus strand): 5'-TGGCCTAATGATTCCATTTGCTGTTTTTGCTTAGCTTATCAAGCAACCGGTTGTCTCACC[C>A]CAGCTCTGGAAGGTAAATGCATATTGCACTACATTTCTCTGACTGCTTTTTCCTTGGGTC-3'
Protein context (NP_065829.4, residues 47-67): TSLSSNRLSH[Pro57His]SSGRSTFCSI